The following is an entry in ClinVar:

ClinVar aggregate classification (germline): Likely benign. Review status: criteria provided, multiple submitters, no conflicts (2 of 4 stars). 5 submissions from 5 submitters: Likely benign (4). 1 of the submissions does not count toward it. Last evaluated 2026-05-28.

Conditions:
CLTC-related disorder. Also called: CLTC-related condition.

Allele frequency attached by ClinVar (database versions not stated): gnomAD exomes below 0.00001 and 0.00002; gnomAD 0.00003 and 0.00005; TOPMed 0.00004.
gnomAD v4.1: 41 of 1,613,592 alleles (0.0025%); highest among the groups gnomAD compares: African/African-American, 0.036%; 1 homozygote.

Submissions (5):

Women's Health and Genetics/Laboratory Corporation of America, LabCorp
Classification: Likely benign. Last evaluated: 2026-05-28. Review status: criteria provided, single submitter. Criteria: LabCorp Variant Classification Summary - May 2015. Collection method: clinical testing. Allele origin: germline.

Labcorp Genetics (formerly Invitae), Labcorp
Classification: Likely benign. Last evaluated: 2025-11-09. Review status: criteria provided, single submitter. Criteria: Invitae Variant Classification Sherloc (09022015). Collection method: clinical testing. Allele origin: germline.

Blueprint Genetics
Classification: Likely benign. Last evaluated: 2022-02-01. Review status: criteria provided, single submitter. Criteria: ACMG Guidelines, 2015. Collection method: clinical testing. Allele origin: germline.

Breakthrough Genomics
Classification: Likely benign. Review status: criteria provided, single submitter. Criteria: ACMG Guidelines, 2015. Collection method: not provided. Allele origin: germline. Inheritance: Autosomal dominant inheritance. Affected: yes.

PreventionGenetics, part of Exact Sciences
Classification: Likely benign for CLTC-related condition. Last evaluated: 2019-09-17. Review status: no assertion criteria provided. Collection method: clinical testing. Allele origin: germline. Not counted in ClinVar's aggregate classification.
Comment: This variant is classified as likely benign based on ACMG/AMP sequence variant interpretation guidelines (Richards et al. 2015 PMID: 25741868, with internal and published modifications).

NM_004859.4(CLTC):c.3762A>G (p.Lys1254=)

Gene: CLTC (clathrin heavy chain; plus strand). Cytogenetic location: 17q23.1.
Variant type: single nucleotide variant.
Coding change: c.3762A>G on transcript NM_004859.4 (MANE Select); coding-DNA position 3762, A replaced by G.
Protein change: p.Lys1254=; no amino-acid change (lysine 1254 retained).
Molecular consequence: synonymous variant.
Genome position (GRCh38, 1-based): chr17:59,682,790, A>G. VCF-style: chr17-59682790-A-G. GRCh37 (hg19) VCF-style: chr17-57760151-A-G.
Other names: c.3774A>G, p.Lys1258= (NM_001288653.2); c.3774A>G (NM_001288653.1).
Identifiers: ClinVar variation 1644354 (VCV001644354.13), dbSNP rs111452880, ClinGen allele CA292117290.